The following is an entry in ClinVar:

NM_000152.5(GAA):c.119G>A (p.Arg40Gln)

Gene: GAA (alpha glucosidase; plus strand). Cytogenetic location: 17q25.3.
Variant type: single nucleotide variant.
Coding change: c.119G>A on transcript NM_000152.5 (MANE Select); coding-DNA position 119, G replaced by A.
Protein change: p.Arg40Gln; replaces arginine 40 with glutamine.
Molecular consequence: missense variant.
Genome position (GRCh38, 1-based): chr17:80,104,705, G>A. VCF-style: chr17-80104705-G-A. GRCh37 (hg19) VCF-style: chr17-78078504-G-A.
Other names: c.119G>A, p.Arg40Gln (NM_001079803.3, NM_001079804.3); c.119G>A (LRG_673t1); short protein forms R40Q.
Identifiers: ClinVar variation 526540 (VCV000526540.48), dbSNP rs374476196, ClinGen allele CA8814792.
Genomic context (GRCh38, chr17:80,104,705, plus strand): 5'-CCTTGGCAACCGCTGCACTCCTGGGGCACATCCTACTCCATGATTTCCTGCTGGTTCCCC[G>A]AGAGCTGAGTGGCTCCTCCCCAGTCCTGGAGGAGACTCACCCAGCTCACCAGCAGGGAGC-3'
Protein context (NP_000143.2, residues 30-50): ILLHDFLLVP[Arg40Gln]ELSGSSPVLE

ClinVar aggregate classification (germline): Conflicting classifications of pathogenicity. Review status: criteria provided, conflicting classifications (1 of 4 stars). 6 submissions from 6 submitters: Uncertain significance (3); Likely benign (3). Last evaluated 2026-07-01.

Conditions:
Cardiovascular phenotype. Identifiers: MedGen CN230736.
Glycogen storage disease, type II (IOPD). Also called: Glycogen storage disease type 2; Acid maltase deficiency disease; Aglucosidase alfa; Deficiency of alpha-glucosidase; Deficiency of lysosomal alpha-glucosidase; POMPE DISEASE, INFANTILE-ONSET. Identifiers: Orphanet 365, MedGen C0017921, MONDO:0009290, OMIM 232300.

Allele frequency attached by ClinVar (database versions not stated): TOPMed 0.00021; gnomAD 0.00023 and 0.00026; gnomAD exomes 0.00006 and 0.00010; ESP Exome Variant Server 0.00008; ExAC 0.00010; 1000 Genomes Project 30x 0.00016; 1000 Genomes Project 0.00020.
gnomAD v4.1: 123 of 1,612,958 alleles (0.0076%); highest among the groups gnomAD compares: African/African-American, 0.055%; no homozygotes.

Submissions (7):

Genomenon, Inc
Classification: Uncertain significance for Glycogen storage disease, type II. Last evaluated: 2026-07-01. Review status: criteria provided, single submitter. Criteria: Genomenon Sequence Variant Interpretation Standards - Updated. Collection method: curation. Allele origin: germline. Affected: no.
Comment: GAA p.Arg40Gln (c.119G>A) is a missense variant that changes the amino acid at codon 40 from Arginine to Glutamine. This variant has been reported in the published literature (PMID:39678382). It is absent or not present at a significant frequency in gnomAD. In silico models predict that this variant is not damaging. In conclusion, we classify GAA p.Arg40Gln (c.119G>A) as a variant of uncertain significance.

Labcorp Genetics (formerly Invitae), Labcorp
Classification: Likely benign for Glycogen storage disease, type II. Last evaluated: 2026-01-28. Review status: criteria provided, single submitter. Criteria: Invitae Variant Classification Sherloc (09022015). Collection method: clinical testing. Allele origin: germline.

Ambry Genetics
Classification: Likely benign for Cardiovascular phenotype. Last evaluated: 2025-07-29. Review status: criteria provided, single submitter. Criteria: Ambry Variant Classification Scheme 2023. Collection method: clinical testing. Allele origin: germline.

Women's Health and Genetics/Laboratory Corporation of America, LabCorp
Classification: Uncertain significance. Last evaluated: 2025-06-19. Review status: criteria provided, single submitter. Criteria: LabCorp Variant Classification Summary - May 2015. Collection method: clinical testing. Allele origin: germline.
Comment: Variant summary: GAA c.119G>A (p.Arg40Gln) results in a conservative amino acid change in the encoded protein sequence. Algorithms developed to predict the effect of missense changes on protein structure and function all suggest that this variant is likely to be tolerated. The variant allele was found at a frequency of 0.0001 in 248652 control chromosomes. This frequency is not significantly higher than estimated for a pathogenic variant in GAA causing Glycogen storage disease, type II, allowing no conclusion about variant significance. c.119G>A has been observed in one individual affected with Glycogen storage disease, type II (Almeida_2022). These report(s) do not provide unequivocal conclusions about association of the variant with Glycogen storage disease, type II. To our knowledge, no experimental evidence demonstrating an impact on protein function has been reported. The following publication has been ascertained in the context of this evaluation (PMID: 35614200). ClinVar contains an entry for this variant (Variation ID: 526540). Based on the evidence outlined above, the variant was classified as uncertain significance.

Revvity Omics, Revvity
Classification: Uncertain significance. Last evaluated: 2024-08-05. Review status: criteria provided, single submitter. Criteria: ACMG Guidelines, 2015. Collection method: clinical testing. Allele origin: germline.

CeGaT Center for Human Genetics Tuebingen
Classification: Likely benign. Last evaluated: 2022-09-01. Review status: criteria provided, single submitter. Criteria: CeGaT Center For Human Genetics Tuebingen Variant Classification Criteria Version 2. Collection method: clinical testing. Allele origin: germline. Affected: yes. Observed: 1 variant allele.
Comment: GAA: BP4, BP5

Dr. Peter K. Rogan Lab, Western University
No classification provided (evidence only). Condition: Familial cancer of breast. Review status: no classification provided. Collection method: in vitro. Allele origin: not applicable. Functional consequence: retained intron. Not counted in ClinVar's aggregate classification.

Literature cited by the submitters: PubMed 39678382 (cited by Genomenon, Inc); PubMed 35614200 (cited by Women's Health and Genetics/Laboratory Corporation of America, LabCorp).